The following is an entry in ClinVar:

NM_016277.5(RAB23):c.421A>T (p.Lys141Ter)

Gene: RAB23 (RAB23, member RAS oncogene family; minus strand). Cytogenetic location: 6p12.1.
Variant type: single nucleotide variant.
Coding change: c.421A>T on transcript NM_016277.5 (MANE Select); coding-DNA position 421, A replaced by T.
Protein change: p.Lys141Ter; replaces lysine 141 with a stop codon.
Molecular consequence: nonsense.
Genome position (GRCh38, 1-based): chr6:57,194,830, T>A on the plus strand (A>T on the coding strand, the complement: RAB23 is on the minus strand). VCF-style: chr6-57194830-T-A. GRCh37 (hg19) VCF-style: chr6-57059628-T-A.
Other names: c.421A>T, p.Lys141Ter (NM_001278666.2, NM_001278667.2, NM_001278668.2 and 1 more transcripts); short protein forms K141*.
Identifiers: ClinVar variation 1071136 (VCV001071136.7), dbSNP rs2127998022, ClinGen allele CA364626196.

ClinVar aggregate classification (germline): Pathogenic (1 of 4 stars; one submission).

Conditions:
Carpenter syndrome. Identifiers: Orphanet 65759, MedGen C1275078, MONDO:0019012.

Submission:

Labcorp Genetics (formerly Invitae), Labcorp
Classification: Pathogenic for Carpenter syndrome. Last evaluated: 2020-07-07. Review status: criteria provided, single submitter. Criteria: Invitae Variant Classification Sherloc (09022015). Collection method: clinical testing. Allele origin: germline.
Comment: This variant is not present in population databases (ExAC no frequency). For these reasons, this variant has been classified as Pathogenic. Loss-of-function variants in RAB23 are known to be pathogenic (PMID: 17503333, 21412941). This variant has not been reported in the literature in individuals with RAB23-related conditions. This sequence change creates a premature translational stop signal (p.Lys141*) in the RAB23 gene. It is expected to result in an absent or disrupted protein product.

Literature cited by the submitters: PubMed 17503333; PubMed 21412941.